The following is an entry in ClinVar:

NM_005565.5(LCP2):c.1219C>T (p.Arg407Trp)

Gene: LCP2 (lymphocyte cytosolic protein 2; minus strand). Cytogenetic location: 5q35.1.
Variant type: single nucleotide variant.
Coding change: c.1219C>T on transcript NM_005565.5 (MANE Select); coding-DNA position 1219, C replaced by T.
Protein change: p.Arg407Trp; replaces arginine 407 with tryptophan.
Molecular consequence: missense variant.
Genome position (GRCh38, 1-based): chr5:170,253,145, G>A on the plus strand (C>T on the coding strand, the complement: LCP2 is on the minus strand). VCF-style: chr5-170253145-G-A. GRCh37 (hg19) VCF-style: chr5-169680149-G-A.
Other names: short protein forms R407W.
Identifiers: ClinVar variation 4097020 (VCV004097020.2).
Genomic context (GRCh38, chr5:170,253,145, plus strand): 5'-GCAAACAAACAAAAATAAAAACATGCTCTCTTACCTCTTCCTCCGCGGGGGATGGGGGCC[G>A]AGGTTTGTTTGGAAGTGGCAAGGGGAAGTTTCTGCCTTCGGCTCTGATAGGTGGTCTGTT-3'
Protein context (NP_005556.1, residues 397-417): NFPLPLPNKP[Arg407Trp]PPSPAEEENS

ClinVar aggregate classification (germline): Uncertain significance. Review status: criteria provided, multiple submitters, no conflicts (2 of 4 stars). 2 submissions from 2 submitters: Uncertain significance (2). Last evaluated 2026-04-23.

Submissions (2):

Women's Health and Genetics/Laboratory Corporation of America, LabCorp
Classification: Uncertain significance. Last evaluated: 2026-04-23. Review status: criteria provided, single submitter. Criteria: LabCorp Variant Classification Summary - May 2015. Collection method: clinical testing. Allele origin: germline.
Comment: Variant summary: LCP2 c.1219C>T (p.Arg407Trp) results in a non-conservative amino acid change in the encoded protein sequence. Algorithms developed to predict the effect of missense changes on protein structure and function are either unavailable or do not agree on the potential impact of this missense change. The variant was absent in 245518 control chromosomes. The available data on variant occurrences in the general population are insufficient to allow any conclusion about variant significance. To our knowledge, no occurrence of c.1219C>T in individuals affected with LCP2-related conditions and no experimental evidence demonstrating its impact on protein function have been reported. ClinVar contains an entry for this variant (Variation ID: 4097020). Based on the evidence outlined above, the variant was classified as uncertain significance.

Ambry Genetics
Classification: Uncertain significance. Last evaluated: 2025-08-08. Review status: criteria provided, single submitter. Criteria: Ambry Variant Classification Scheme 2023. Collection method: clinical testing. Allele origin: germline.